The following is an entry in ClinVar:

NM_130837.3(OPA1):c.2819G>A (p.Arg940His)

Gene: OPA1 (OPA1 mitochondrial dynamin like GTPase; plus strand). Cytogenetic location: 3q29.
Variant type: single nucleotide variant.
Coding change: c.2819G>A on transcript NM_130837.3 (MANE Select); coding-DNA position 2819, G replaced by A.
Protein change: p.Arg940His; replaces arginine 940 with histidine.
Molecular consequence: missense variant.
Genome position (GRCh38, 1-based): chr3:193,666,336, G>A. VCF-style: chr3-193666336-G-A. GRCh37 (hg19) VCF-style: chr3-193384125-G-A.
Other names: c.2285G>A, p.Arg762His (NM_001354663.2); c.2282G>A, p.Arg761His (NM_001354664.2); c.2654G>A, p.Arg885His (NM_015560.3); c.2546G>A, p.Arg849His (NM_130831.3); c.2600G>A, p.Arg867His (NM_130832.3); c.2657G>A, p.Arg886His (NM_130833.3); c.2708G>A, p.Arg903His (NM_130834.3); c.2711G>A, p.Arg904His (NM_130835.3); and 1 more; short protein forms R761H, R903H, R849H, R885H, R886H, R940H, R762H, R904H.
Identifiers: ClinVar variation 2203487 (VCV002203487.5), dbSNP rs937546860, ClinGen allele CA90557379.

ClinVar aggregate classification (germline): Uncertain significance. Review status: criteria provided, multiple submitters, no conflicts (2 of 4 stars). 2 submissions from 2 submitters: Uncertain significance (2). Last evaluated 2023-01-27.

Conditions:
Autosomal dominant optic atrophy classic form (OPA1). Also called: KJER-TYPE OPTIC ATROPHY; OPTIC ATROPHY, JUVENILE; Optic Atrophy Type 1. Identifiers: Orphanet 98673, MedGen C0338508, MONDO:0008134, OMIM 165500.

Allele frequency attached by ClinVar (database versions not stated): gnomAD exomes below 0.00001; TOPMed 0.00001; gnomAD 0.00002.
gnomAD v4.1: 8 of 1,613,944 alleles (0.0005%); highest among the groups gnomAD compares: Non-Finnish European, 0.00059%; no homozygotes.

Submissions (2):

Laboratorio de Genetica e Diagnostico Molecular, Hospital Israelita Albert Einstein
Classification: Uncertain significance for Autosomal dominant optic atrophy classic form. Last evaluated: 2023-01-27. Review status: criteria provided, single submitter. Criteria: ACMG Guidelines, 2015. Collection method: clinical testing. Allele origin: germline. Affected: yes. Observed: 1 variant allele.
Comment: ACMG classification criteria: PS4 supporting, PM2 moderated, PP3 supporting

Labcorp Genetics (formerly Invitae), Labcorp
Classification: Uncertain significance. Last evaluated: 2022-11-22. Review status: criteria provided, single submitter. Criteria: Invitae Variant Classification Sherloc (09022015). Collection method: clinical testing. Allele origin: germline.
Comment: This missense change has been observed in individual(s) with optic atrophy (PMID: 25205859). This variant is present in population databases (no rsID available, gnomAD 0.0009%). This sequence change replaces arginine, which is basic and polar, with histidine, which is basic and polar, at codon 885 of the OPA1 protein (p.Arg885His). Advanced modeling of protein sequence and biophysical properties (such as structural, functional, and spatial information, amino acid conservation, physicochemical variation, residue mobility, and thermodynamic stability) performed at Invitae indicates that this missense variant is not expected to disrupt OPA1 protein function. In summary, the available evidence is currently insufficient to determine the role of this variant in disease. Therefore, it has been classified as a Variant of Uncertain Significance.

Literature cited by the submitters: PubMed 25205859 (cited by Labcorp Genetics (formerly Invitae), Labcorp).